The following is an entry in ClinVar:

ClinVar aggregate classification (germline): Uncertain significance. Review status: criteria provided, multiple submitters, no conflicts (2 of 4 stars). 5 submissions from 5 submitters: Uncertain significance (4). 1 of the submissions does not count toward it. Last evaluated 2025-11-17.

Conditions:
Hereditary cancer-predisposing syndrome. Also called: Neoplastic Syndromes, Hereditary; Hereditary Cancer Syndrome; Tumor predisposition; Hereditary neoplastic syndrome. Identifiers: Orphanet 140162, MedGen C0027672, MeSH D009386, MONDO:0015356.
Ataxia-telangiectasia syndrome (AT). Also called: LOUIS-BAR SYNDROME; Cerebello-oculocutaneous telangiectasia; Immunodeficiency with ataxia telangiectasia; Ataxia-telangiectasia, complementation group D; AT, COMPLEMENTATION GROUP C; Ataxia-telangiectasia, complementation group E. Identifiers: Orphanet 100, MedGen C0004135, MONDO:0008840, OMIM 208900.

Allele frequency attached by ClinVar (database versions not stated): gnomAD 0.00001; gnomAD exomes below 0.00001; TOPMed below 0.00001.
gnomAD v4.1: 4 of 1,612,664 alleles (0.00025%); highest among the groups gnomAD compares: Non-Finnish European, 0.00025%; no homozygotes.

Submissions (5):

Ambry Genetics
Classification: Uncertain significance for Hereditary cancer-predisposing syndrome. Last evaluated: 2025-11-17. Review status: criteria provided, single submitter. Criteria: Ambry Variant Classification Scheme 2023. Collection method: clinical testing. Allele origin: germline.
Comment: The p.G2023E variant (also known as c.6068G>A), located in coding exon 40 of the ATM gene, results from a G to A substitution at nucleotide position 6068. The glycine at codon 2023 is replaced by glutamic acid, an amino acid with similar properties. In an assay testing ATM function, this variant showed a functionally normal result (Lee KS et al. Cell, 2025 Sep;188:5081-5099.e27). This amino acid position is highly conserved in available vertebrate species. In addition, the in silico prediction for this alteration is inconclusive. Based on the available evidence, the clinical significance of this variant remains unclear.

Labcorp Genetics (formerly Invitae), Labcorp
Classification: Uncertain significance for Ataxia-telangiectasia syndrome. Last evaluated: 2025-11-03. Review status: criteria provided, single submitter. Criteria: Invitae Variant Classification Sherloc (09022015). Collection method: clinical testing. Allele origin: germline.
Comment: This sequence change replaces glycine, which is neutral and non-polar, with glutamic acid, which is acidic and polar, at codon 2023 of the ATM protein (p.Gly2023Glu). This variant is present in population databases (no rsID available, gnomAD 0.0009%). This variant has not been reported in the literature in individuals affected with ATM-related conditions. ClinVar contains an entry for this variant (Variation ID: 453610). Invitae Evidence Modeling of protein sequence and biophysical properties (such as structural, functional, and spatial information, amino acid conservation, physicochemical variation, residue mobility, and thermodynamic stability) indicates that this missense variant is not expected to disrupt ATM protein function with a negative predictive value of 95%. In summary, the available evidence is currently insufficient to determine the role of this variant in disease. Therefore, it has been classified as a Variant of Uncertain Significance.

Women's Health and Genetics/Laboratory Corporation of America, LabCorp
Classification: Uncertain significance. Last evaluated: 2023-09-18. Review status: criteria provided, single submitter. Criteria: LabCorp Variant Classification Summary - May 2015. Collection method: clinical testing. Allele origin: germline.
Comment: Variant summary: ATM c.6068G>A (p.Gly2023Glu) results in a non-conservative amino acid change in the encoded protein sequence. Four of five in-silico tools predict a damaging effect of the variant on protein function. The variant allele was found at a frequency of 4e-06 in 251400 control chromosomes (gnomAD). The available data on variant occurrences in the general population are insufficient to allow any conclusion about variant significance. The variant, c.6068G>A, has been reported in the literature in a cohort of breast cancer patients (Lhota_2016), however without supporting evidence for causality. These report(s) do not provide unequivocal conclusions about association of the variant with Ataxia-Telangiectasia. To our knowledge, no experimental evidence demonstrating an impact on protein function has been reported. The following publication have been ascertained in the context of this evaluation (PMID: 26822949). Four submitters have cited clinical-significance assessments for this variant to ClinVar after 2014. All submitters classified the variant as uncertain significance. Based on the evidence outlined above, the variant was classified as uncertain significance.

Color Diagnostics, LLC DBA Color Health
Classification: Uncertain significance for Hereditary cancer-predisposing syndrome. Last evaluated: 2018-12-10. Review status: criteria provided, single submitter. Criteria: ACMG Guidelines, 2015. Collection method: clinical testing. Allele origin: germline.

Natera, Inc.
Classification: Uncertain significance for Ataxia-telangiectasia. Last evaluated: 2021-04-30. Review status: no assertion criteria provided. Collection method: clinical testing. Allele origin: germline. Not counted in ClinVar's aggregate classification.

Literature cited by the submitters: PubMed 40580951 (cited by Ambry Genetics); PubMed 26822949 (cited by Women's Health and Genetics/Laboratory Corporation of America, LabCorp).

NM_000051.4(ATM):c.6068G>A (p.Gly2023Glu)

Genes: ATM (ATM serine/threonine kinase; plus strand), C11orf65 (chromosome 11 open reading frame 65; minus strand). Cytogenetic location: 11q22.3.
Variant type: single nucleotide variant.
Coding change: c.6068G>A on transcript NM_000051.4 (MANE Select); coding-DNA position 6068, G replaced by A.
Protein change: p.Gly2023Glu; replaces glycine 2023 with glutamic acid.
Molecular consequence: missense variant. On other transcripts: intron variant (2).
Genome position (GRCh38, 1-based): chr11:108,315,884, G>A. VCF-style: chr11-108315884-G-A. GRCh37 (hg19) VCF-style: chr11-108186611-G-A.
Other names: c.6068G>A, p.Gly2023Glu (NM_001351834.2); c.641-6813C>T (NM_001330368.2); c.*39-6813C>T (NM_001351110.2); short protein forms G2023E.
Identifiers: ClinVar variation 453610 (VCV000453610.34), dbSNP rs1486220915, ClinGen allele CA382550080.